The following is an entry in ClinVar:

NM_001243177.4(ALDOA):c.925A>G (p.Thr309Ala)

Genes: ALDOA (aldolase, fructose-bisphosphate A; plus strand), LOC112694756 (uncharaterized LOC112694756; plus strand). Cytogenetic location: 16p11.2.
Variant type: single nucleotide variant.
Coding change: c.925A>G on transcript NM_001243177.4 (MANE Select); coding-DNA position 925, A replaced by G.
Protein change: p.Thr309Ala; replaces threonine 309 with alanine.
Molecular consequence: missense variant. On other transcripts: 3 prime UTR variant (3).
Genome position (GRCh38, 1-based): chr16:30,069,637, A>G. VCF-style: chr16-30069637-A-G. GRCh37 (hg19) VCF-style: chr16-30080958-A-G.
Other names: NM_000034.3:c.763A>G; c.*1272A>G (NM_001365304.2, NM_001365305.2, NM_001365307.2); c.763A>G, p.Thr255Ala (NM_001127617.2, NM_184041.5, NM_184043.2); short protein forms T255A, T309A.
Identifiers: ClinVar variation 2428580 (VCV002428580.4), dbSNP rs762881835, ClinGen allele CA8001117.
Genomic context (GRCh38, chr16:30,069,637, plus strand): 5'-ACCCCAGGCCATGCTTGCACTCAGAAGTTTTCTCATGAGGAGATTGCCATGGCGACCGTC[A>G]CAGCGCTGCGCCGCACAGTGCCCCCCGCTGTCACTGGTGAGGCCCACACTCATCTTGATC-3'
Protein context (NP_001230106.1, residues 299-319): SHEEIAMATV[Thr309Ala]ALRRTVPPAV

ClinVar aggregate classification (germline): Uncertain significance. Review status: criteria provided, multiple submitters, no conflicts (2 of 4 stars). 2 submissions from 2 submitters: Uncertain significance (2). Last evaluated 2026-02-12.

Conditions:
ALDOA-related disorder. Also called: ALDOA-related condition.
HNSHA due to aldolase A deficiency (GSD12). Also called: RED CELL ALDOLASE DEFICIENCY; GLYCOGEN STORAGE DISEASE XII; GSD XII; Glycogen storage disease due to aldolase A deficiency. Identifiers: Orphanet 57, MedGen C0272066, MONDO:0012747, OMIM 611881.

Allele frequency attached by ClinVar (database versions not stated): ExAC 0.00002; gnomAD exomes 0.00002; TOPMed 0.00002; gnomAD 0.00003.
gnomAD v4.1: 35 of 1,613,736 alleles (0.0022%); highest among the groups gnomAD compares: Non-Finnish European, 0.0026%; no homozygotes.

Submissions (2):

PreventionGenetics, part of Exact Sciences
Classification: Uncertain significance for ALDOA-related condition. Last evaluated: 2026-02-12. Review status: criteria provided, single submitter. Criteria: ACMG Guidelines, 2015. Collection method: clinical testing. Allele origin: germline.
Comment: The ALDOA c.763A>G variant is predicted to result in the amino acid substitution p.Thr255Ala. To our knowledge, this variant has not been reported in the literature. This variant is reported in 0.0035% of alleles in individuals of European (Non-Finnish) descent in gnomAD. At this time, the clinical significance of this variant is uncertain due to the absence of conclusive functional and genetic evidence.

ARUP Laboratories, Molecular Genetics and Genomics, ARUP Laboratories
Classification: Uncertain significance for HNSHA due to aldolase A deficiency. Last evaluated: 2022-04-27. Review status: criteria provided, single submitter. Criteria: ARUP Molecular Germline Variant Investigation Process 2021. Collection method: clinical testing. Allele origin: germline.